The following is an entry in ClinVar:

NM_001374736.1(DST):c.2675A>C (p.Glu892Ala)

Gene: DST (dystonin; minus strand). Cytogenetic location: 6p12.1.
Variant type: single nucleotide variant.
Coding change: c.2675A>C on transcript NM_001374736.1 (MANE Select); coding-DNA position 2675, A replaced by C.
Protein change: p.Glu892Ala; replaces glutamic acid 892 with alanine.
Molecular consequence: missense variant.
Genome position (GRCh38, 1-based): chr6:56,639,718, T>G on the plus strand (A>C on the coding strand, the complement: DST is on the minus strand). VCF-style: chr6-56639718-T-G. GRCh37 (hg19) VCF-style: chr6-56504516-T-G.
Other names: c.2576A>C, p.Glu859Ala (NM_001144769.5); c.2162A>C, p.Glu721Ala (NM_001144770.2); c.2675A>C, p.Glu892Ala (NM_001374722.1); c.2042A>C, p.Glu681Ala (NM_001374729.1, NM_001374730.1, NM_001386100.1 and 1 more transcripts); c.2702A>C, p.Glu901Ala (NM_001374734.1); c.1064A>C, p.Glu355Ala (NM_001723.7, NM_015548.5); short protein forms E859A, E681A, E721A, E892A, E355A, E901A.
Identifiers: ClinVar variation 948387 (VCV000948387.9), dbSNP rs1418398087, ClinGen allele CA364577762.

ClinVar aggregate classification (germline): Uncertain significance. Review status: criteria provided, multiple submitters, no conflicts (2 of 4 stars). 2 submissions from 2 submitters: Uncertain significance (2). Last evaluated 2022-08-05.

Conditions:
Inborn genetic diseases. Identifiers: MedGen C0950123, MeSH D030342.
Hereditary sensory and autonomic neuropathy type 6. Also called: HSAN VI; Neuropathy, hereditary sensory and autonomic, type VI. Identifiers: Orphanet 314381, MedGen C3539003, MONDO:0013839, OMIM 614653.
Epidermolysis bullosa simplex 3, localized or generalized intermediate, with BP230 deficiency (EBS3). Also called: Epidermolysis bullosa simplex due to BP230 deficiency; Epidermolysis bullosa simplex, autosomal recessive 2. Identifiers: Orphanet 412181, MedGen C3809470, MONDO:0014180, OMIM 615425.

Allele frequency attached by ClinVar (database versions not stated): gnomAD exomes below 0.00001; TOPMed 0.00001; gnomAD 0.00002.
gnomAD v4.1: 7 of 1,613,582 alleles (0.00043%); highest among the groups gnomAD compares: Non-Finnish European, 0.00059%; no homozygotes.

Submissions (2):

Labcorp Genetics (formerly Invitae), Labcorp
Classification: Uncertain significance for Epidermolysis bullosa simplex 3, localized or generalized intermediate, with BP230 deficiency; Hereditary sensory and autonomic neuropathy type 6. Last evaluated: 2022-08-05. Review status: criteria provided, single submitter. Criteria: Invitae Variant Classification Sherloc (09022015). Collection method: clinical testing. Allele origin: germline.
Comment: This sequence change replaces glutamic acid, which is acidic and polar, with alanine, which is neutral and non-polar, at codon 355 of the DST protein (p.Glu355Ala). This variant is present in population databases (no rsID available, gnomAD 0.0009%). This variant has not been reported in the literature in individuals affected with DST-related conditions. ClinVar contains an entry for this variant (Variation ID: 948387). Algorithms developed to predict the effect of missense changes on protein structure and function (SIFT, PolyPhen-2, Align-GVGD) all suggest that this variant is likely to be disruptive. In summary, the available evidence is currently insufficient to determine the role of this variant in disease. Therefore, it has been classified as a Variant of Uncertain Significance.

Ambry Genetics
Classification: Uncertain significance for Inborn genetic diseases. Last evaluated: 2019-09-06. Review status: criteria provided, single submitter. Criteria: Ambry Variant Classification Scheme 2023. Collection method: clinical testing. Allele origin: germline.
Comment: The p.E859A variant (also known as c.2576A>C), located in coding exon 19 of the DST gene, results from an A to C substitution at nucleotide position 2576. The glutamic acid at codon 859 is replaced by alanine, an amino acid with dissimilar properties. This amino acid position is highly conserved in available vertebrate species. In addition, this alteration is predicted to be deleterious by in silico analysis. Since supporting evidence is limited at this time, the clinical significance of this alteration remains unclear.